The following is an entry in ClinVar:

NM_000059.4(BRCA2):c.9082G>T (p.Ala3028Ser)

Gene: BRCA2 (BRCA2 DNA repair associated; plus strand). Cytogenetic location: 13q13.1.
Variant type: single nucleotide variant.
Coding change: c.9082G>T on transcript NM_000059.4 (MANE Select); coding-DNA position 9082, G replaced by T.
Protein change: p.Ala3028Ser; replaces alanine 3028 with serine.
Molecular consequence: missense variant.
Genome position (GRCh38, 1-based): chr13:32,379,878, G>T. VCF-style: chr13-32379878-G-T. GRCh37 (hg19) VCF-style: chr13-32954015-G-T.
Other names: short protein forms A3028S.
Identifiers: ClinVar variation 462511 (VCV000462511.9), dbSNP rs80359161, ClinGen allele CA387757619.

ClinVar aggregate classification (germline): Uncertain significance (1 of 4 stars; one submission).

Conditions:
Hereditary breast ovarian cancer syndrome. Also called: Hereditary breast and ovarian cancer syndrome (HBOC); Hereditary breast and ovarian cancer syndrome; Breast and ovarian cancer; Hereditary breast and/or ovarian cancer syndrome; Hereditary breast and ovarian cancer; BRCA1- and BRCA2-Associated Hereditary Breast and Ovarian Cancer. Identifiers: Orphanet 145, MedGen C0677776, MeSH D061325, MONDO:0003582. Disease mechanism: loss of function.

Submission:

Labcorp Genetics (formerly Invitae), Labcorp
Classification: Uncertain significance for Hereditary breast ovarian cancer syndrome. Last evaluated: 2022-07-19. Review status: criteria provided, single submitter. Criteria: Invitae Variant Classification Sherloc (09022015). Collection method: clinical testing. Allele origin: germline.
Comment: Advanced modeling of protein sequence and biophysical properties (such as structural, functional, and spatial information, amino acid conservation, physicochemical variation, residue mobility, and thermodynamic stability) performed at Invitae indicates that this missense variant is not expected to disrupt BRCA2 protein function. ClinVar contains an entry for this variant (Variation ID: 462511). This variant has not been reported in the literature in individuals affected with BRCA2-related conditions. This variant is not present in population databases (gnomAD no frequency). This sequence change replaces alanine, which is neutral and non-polar, with serine, which is neutral and polar, at codon 3028 of the BRCA2 protein (p.Ala3028Ser). In summary, the available evidence is currently insufficient to determine the role of this variant in disease. Therefore, it has been classified as a Variant of Uncertain Significance.